The following is an entry in ClinVar:

NM_005902.4(SMAD3):c.983C>T (p.Pro328Leu)

Gene: SMAD3 (SMAD family member 3; plus strand). Cytogenetic location: 15q22.33.
Variant type: single nucleotide variant.
Coding change: c.983C>T on transcript NM_005902.4 (MANE Select); coding-DNA position 983, C replaced by T.
Protein change: p.Pro328Leu; replaces proline 328 with leucine.
Molecular consequence: missense variant. On other transcripts: intron variant (1).
Genome position (GRCh38, 1-based): chr15:67,184,838, C>T. VCF-style: chr15-67184838-C-T. GRCh37 (hg19) VCF-style: chr15-67477176-C-T.
Other names: c.668C>T, p.Pro223Leu (NM_001145102.2, NM_001407016.1); c.851C>T, p.Pro284Leu (NM_001145103.2, NM_001407012.1); c.398C>T, p.Pro133Leu (NM_001145104.2, NM_001407017.1); c.983C>T, p.Pro328Leu (NM_001407011.1); c.836C>T, p.Pro279Leu (NM_001407014.1); c.536C>T, p.Pro179Leu (NM_001407015.1); c.872-2527C>T (NM_001407013.1); c.983C>T (NM_005902.3); short protein forms P133L, P179L, P223L, P279L, P284L, P328L.
Identifiers: ClinVar variation 3071377 (VCV003071377.3), dbSNP rs1256444127, ClinGen allele CA392957261.

ClinVar aggregate classification (germline): Uncertain significance. Review status: criteria provided, multiple submitters, no conflicts (2 of 4 stars). 2 submissions from 2 submitters: Uncertain significance (2). Last evaluated 2025-07-28.

Conditions:
Aneurysm-osteoarthritis syndrome. Also called: LOEYS-DIETZ SYNDROME WITH OSTEOARTHRITIS; SMAD3-Related Loeys-Dietz Syndrome; ANEURYSMS-OSTEOARTHRITIS SYNDROME; Loeys-Dietz syndrome, type 1C. Identifiers: Orphanet 284984, MedGen C3151087, MONDO:0013426, OMIM 613795.

Allele frequency attached by ClinVar (database versions not stated): gnomAD exomes below 0.00001.
gnomAD v4.1: 3 of 1,613,312 alleles (0.00019%); highest among the groups gnomAD compares: Admixed American, 0.0017%; no homozygotes.

Submissions (2):

GeneDx
Classification: Uncertain significance. Last evaluated: 2025-07-28. Review status: criteria provided, single submitter. Criteria: GeneDx Variant Classification Process June 2021. Collection method: clinical testing. Allele origin: germline. Affected: yes.
Comment: Not observed at significant frequency in large population cohorts (gnomAD); In silico analysis supports that this missense variant has a deleterious effect on protein structure/function; Has not been previously published as pathogenic or benign to our knowledge

All of Us Research Program, National Institutes of Health
Classification: Uncertain significance for Aneurysm-osteoarthritis syndrome. Last evaluated: 2023-05-30. Review status: criteria provided, single submitter. Criteria: ACMG Guidelines, 2015. Collection method: clinical testing. Allele origin: germline. Inheritance: Autosomal dominant inheritance. Observed: 1 variant allele, 1 heterozygote.
Comment: This missense variant replaces proline with leucine at codon 328 of the SMAD3 protein. Computational prediction suggests that this variant may have deleterious impact on protein structure and function (internally defined REVEL score threshold >= 0.7, PMID: 27666373). To our knowledge, functional studies have not been reported for this variant. This variant has not been reported in individuals affected with SMAD3-related disorders in the literature. This variant has been identified in 1/251380 chromosomes in the general population by the Genome Aggregation Database (gnomAD). The available evidence is insufficient to determine the role of this variant in disease conclusively. Therefore, this variant is classified as a Variant of Uncertain Significance.

This study involves interpretation of variants in research participants for the purpose of population health screening. Participant phenotype was not available at the time of variant classification. Additional details can be found in publication PMID: 35346344, PMCID: PMC8962531